The following is an entry in ClinVar:

NM_000552.5(VWF):c.3613C>A (p.Arg1205Ser)

Gene: VWF (von Willebrand factor; minus strand). Cytogenetic location: 12p13.31.
Variant type: single nucleotide variant.
Coding change: c.3613C>A on transcript NM_000552.5 (MANE Select); coding-DNA position 3613, C replaced by A.
Protein change: p.Arg1205Ser; replaces arginine 1205 with serine.
Molecular consequence: missense variant.
Genome position (GRCh38, 1-based): chr12:6,021,961, G>T on the plus strand (C>A on the coding strand, the complement: VWF is on the minus strand). VCF-style: chr12-6021961-G-T. GRCh37 (hg19) VCF-style: chr12-6131127-G-T.
Other names: short protein forms R1205S.
Identifiers: ClinVar variation 3338883 (VCV003338883.1).

ClinVar aggregate classification (germline): Likely pathogenic (1 of 4 stars; one submission).

gnomAD v4.1: 4 of 1,614,142 alleles (0.00025%); highest among the groups gnomAD compares: Non-Finnish European, 0.00034%; no homozygotes.

Submission:

GeneDx
Classification: Likely pathogenic. Last evaluated: 2023-06-15. Review status: criteria provided, single submitter. Criteria: GeneDx Variant Classification Process June 2021. Collection method: clinical testing. Allele origin: germline. Affected: yes.
Comment: Reported in the heterozygous state in an individual with Von Willebrand disease type 1 (Millar et al., 2008); Published functional studies demonstrate deficiency of VWF through enhanced macrophage-mediated clearance (Rawley et al., 2015); Not observed at significant frequency in large population cohorts (gnomAD); In silico analysis supports that this missense variant does not alter protein structure/function; This variant is associated with the following publications: (PMID: 25690668, 18449422, 19630772, 10669167)